The following is an entry in ClinVar:

ClinVar aggregate classification (germline): Uncertain significance (1 of 4 stars; one submission).

Submission:

CeGaT Center for Human Genetics Tuebingen
Classification: Uncertain significance. Last evaluated: 2025-01-01. Review status: criteria provided, single submitter. Criteria: CeGaT Center For Human Genetics Tuebingen Variant Classification Criteria Version 2. Collection method: clinical testing. Allele origin: germline. Affected: yes. Observed: 1 variant allele.
Comment: ZSWIM6: PM2, PS2:Supporting

NM_020928.2(ZSWIM6):c.1808A>G (p.Gln603Arg)

Gene: ZSWIM6 (zinc finger SWIM-type containing 6; plus strand). Cytogenetic location: 5q12.1.
Variant type: single nucleotide variant.
Coding change: c.1808A>G on transcript NM_020928.2 (MANE Select); coding-DNA position 1808, A replaced by G.
Protein change: p.Gln603Arg; replaces glutamine 603 with arginine.
Molecular consequence: missense variant.
Genome position (GRCh38, 1-based): chr5:61,526,367, A>G. VCF-style: chr5-61526367-A-G. GRCh37 (hg19) VCF-style: chr5-60822194-A-G.
Other names: short protein forms Q603R.
Identifiers: ClinVar variation 2578978 (VCV002578978.25), dbSNP rs2478350078, ClinGen allele CA359943905.
Genomic context (GRCh38, chr5:61,526,367, plus strand): 5'-GAGAAGCACTGAGACTAGCAATAGCTATTGTTAATACATTAAGACGACAGCAGCAGAAAC[A>G]GTTGGAAATGTTCCGAACCCAAAAAAAAGGTGAATGTGAAGGAGTTTGTTTCCATTGGAA-3'
Protein context (NP_065979.1, residues 593-613): VNTLRRQQQK[Gln603Arg]LEMFRTQKKE